The following is an entry in ClinVar:

NM_001849.4(COL6A2):c.1723C>T (p.Pro575Ser)

Gene: COL6A2 (collagen type VI alpha 2 chain; plus strand). Cytogenetic location: 21q22.3.
Variant type: single nucleotide variant.
Coding change: c.1723C>T on transcript NM_001849.4 (MANE Select); coding-DNA position 1723, C replaced by T.
Protein change: p.Pro575Ser; replaces proline 575 with serine.
Molecular consequence: missense variant.
Genome position (GRCh38, 1-based): chr21:46,124,702, C>T. VCF-style: chr21-46124702-C-T. GRCh37 (hg19) VCF-style: chr21-47544616-C-T.
Other names: c.1723C>T, p.Pro575Ser (NM_058174.3, NM_058175.3); short protein forms P575S.
Identifiers: ClinVar variation 2154326 (VCV002154326.4), dbSNP rs1463889261, ClinGen allele CA410536068.

ClinVar aggregate classification (germline): Uncertain significance (1 of 4 stars; one submission).

Conditions:
Bethlem myopathy 1A. Also called: Bethlem Muscular Dystrophy; Bethlem myopathy 1; MYOPATHY, BENIGN CONGENITAL, WITH CONTRACTURES. Identifiers: Orphanet 610, MedGen CN029274, MONDO:0024530, OMIM 158810.

gnomAD v4.1: 2 of 1,612,774 alleles (0.00012%); highest among the groups gnomAD compares: Non-Finnish European, 0.00017%; no homozygotes.

Submission:

Labcorp Genetics (formerly Invitae), Labcorp
Classification: Uncertain significance for Bethlem myopathy 1A. Last evaluated: 2022-04-23. Review status: criteria provided, single submitter. Criteria: Invitae Variant Classification Sherloc (09022015). Collection method: clinical testing. Allele origin: germline.
Comment: This sequence change replaces proline, which is neutral and non-polar, with serine, which is neutral and polar, at codon 575 of the COL6A2 protein (p.Pro575Ser). This variant is not present in population databases (gnomAD no frequency). This variant has not been reported in the literature in individuals affected with COL6A2-related conditions. Advanced modeling of protein sequence and biophysical properties (such as structural, functional, and spatial information, amino acid conservation, physicochemical variation, residue mobility, and thermodynamic stability) performed at Invitae indicates that this missense variant is not expected to disrupt COL6A2 protein function. In summary, the available evidence is currently insufficient to determine the role of this variant in disease. Therefore, it has been classified as a Variant of Uncertain Significance.